The following is an entry in ClinVar:

NM_000138.5(FBN1):c.6164-2A>T

Gene: FBN1 (fibrillin 1; minus strand). Cytogenetic location: 15q21.1.
Variant type: single nucleotide variant.
Coding change: c.6164-2A>T on transcript NM_000138.5 (MANE Select); the canonical splice acceptor site of the intron before coding-DNA position 6164, A replaced by T.
Molecular consequence: splice acceptor variant.
Genome position (GRCh38, 1-based): chr15:48,437,919, T>A on the plus strand (A>T on the coding strand, the complement: FBN1 is on the minus strand). VCF-style: chr15-48437919-T-A. GRCh37 (hg19) VCF-style: chr15-48730116-T-A.
Other names: c.6164-2A>T (NM_001406716.1).
Identifiers: ClinVar variation 200075 (VCV000200075.2), dbSNP rs794728244, ClinGen allele CA016263.

ClinVar aggregate classification (germline): Pathogenic (1 of 4 stars; one submission).

Submission:

GeneDx
Classification: Pathogenic. Last evaluated: 2016-11-09. Review status: criteria provided, single submitter. Criteria: GeneDx Variant Classification (06012015). Collection method: clinical testing. Allele origin: germline. Affected: yes.
Comment: c.6164-2 A>T: IVS50-2 A>T in intron 50 of the FBN1 gene (NM_000138.4) Although the c.6164-2 A>T mutation has not been reported as a disease-causing mutation or as a benign polymorphism to our knowledge, this mutation destroys the canonical splice acceptor site in intron 50 and is predicted to cause abnormal gene splicing. The mutation is predicted to lead to either an abnormal message that is subject to nonsense-mediated mRNA decay, or to an abnormal protein product if the message is used for protein translation. Other splice site mutations in the FBN1 gene have been reported in association with Marfan syndrome. This mutation was not observed in approximately 6500 individuals of European and African American ancestry in the NHLBI Exome Sequencing Project, indicating it is not a common benign variant in these populations.In summary, c.6164-2 A>T in the FBN1 gene is interpreted as a disease-causing mutation.The variant is found in TAAD panel(s).